The following is an entry in ClinVar:

NM_001291303.3(FAT4):c.12385A>G (p.Ser4129Gly)

Gene: FAT4 (FAT atypical cadherin 4; plus strand). Cytogenetic location: 4q28.1.
Variant type: single nucleotide variant.
Coding change: c.12385A>G on transcript NM_001291303.3 (MANE Select); coding-DNA position 12385, A replaced by G.
Protein change: p.Ser4129Gly; replaces serine 4129 with glycine.
Molecular consequence: missense variant.
Genome position (GRCh38, 1-based): chr4:125,477,240, A>G. VCF-style: chr4-125477240-A-G. GRCh37 (hg19) VCF-style: chr4-126398395-A-G.
Other names: c.12385A>G, p.Ser4129Gly (NM_001291285.3); c.12379A>G, p.Ser4127Gly (NM_024582.6); c.12379A>G (NM_024582.4); short protein forms S4127G, S4129G.
Identifiers: ClinVar variation 2203573 (VCV002203573.4), dbSNP rs1294543516, ClinGen allele CA358131043.

ClinVar aggregate classification (germline): Uncertain significance. Review status: criteria provided, multiple submitters, no conflicts (2 of 4 stars). 2 submissions from 2 submitters: Uncertain significance (2). Last evaluated 2025-05-07.

Allele frequency attached by ClinVar (database versions not stated): gnomAD exomes below 0.00001; TOPMed below 0.00001; gnomAD 0.00001.
gnomAD v4.1: 4 of 1,554,058 alleles (0.00026%); highest among the groups gnomAD compares: African/African-American, 0.0014%; no homozygotes.

Submissions (2):

GeneDx
Classification: Uncertain significance. Last evaluated: 2025-05-07. Review status: criteria provided, single submitter. Criteria: GeneDx Variant Classification Process June 2021. Collection method: clinical testing. Allele origin: germline. Affected: yes.
Comment: Not observed at significant frequency in large population cohorts (gnomAD); In silico analysis supports that this missense variant has a deleterious effect on protein structure/function; Identified in a patient with posterior urethral valves, but additional clinical information was not included (PMID: 26489027); This variant is associated with the following publications: (PMID: 26489027)

Labcorp Genetics (formerly Invitae), Labcorp
Classification: Uncertain significance. Last evaluated: 2022-09-14. Review status: criteria provided, single submitter. Criteria: Invitae Variant Classification Sherloc (09022015). Collection method: clinical testing. Allele origin: germline.
Comment: In summary, the available evidence is currently insufficient to determine the role of this variant in disease. Therefore, it has been classified as a Variant of Uncertain Significance. Advanced modeling of protein sequence and biophysical properties (such as structural, functional, and spatial information, amino acid conservation, physicochemical variation, residue mobility, and thermodynamic stability) performed at Invitae indicates that this missense variant is not expected to disrupt FAT4 protein function. This variant has not been reported in the literature in individuals affected with FAT4-related conditions. This variant is not present in population databases (gnomAD no frequency). This sequence change replaces serine, which is neutral and polar, with glycine, which is neutral and non-polar, at codon 4127 of the FAT4 protein (p.Ser4127Gly).